The following is an entry in ClinVar:

NM_032638.5(GATA2):c.910C>A (p.Pro304Thr)

Gene: GATA2 (GATA binding protein 2; minus strand). Cytogenetic location: 3q21.3.
Variant type: single nucleotide variant.
Coding change: c.910C>A on transcript NM_032638.5 (MANE Select); coding-DNA position 910, C replaced by A.
Protein change: p.Pro304Thr; replaces proline 304 with threonine.
Molecular consequence: missense variant.
Genome position (GRCh38, 1-based): chr3:128,483,967, G>T on the plus strand (C>A on the coding strand, the complement: GATA2 is on the minus strand). VCF-style: chr3-128483967-G-T. GRCh37 (hg19) VCF-style: chr3-128202810-G-T.
Other names: c.910C>A, p.Pro304Thr (NM_001145661.2, NM_001145662.1); short protein forms P304T.
Identifiers: ClinVar variation 2941195 (VCV002941195.3), dbSNP rs2472925118, ClinGen allele CA354404778.

ClinVar aggregate classification (germline): Uncertain significance (1 of 4 stars; one submission).

Conditions:
Deafness-lymphedema-leukemia syndrome. Also called: Lymphedema, primary, with myelodysplasia; Emberger syndrome. Identifiers: Orphanet 3226, MedGen C3279664, MONDO:0013540, OMIM 614038.
Monocytopenia with susceptibility to infections. Also called: MONOCYTOPENIA AND MYCOBACTERIAL INFECTION SYNDROME; MONOCYTOPENIA WITH SUSCEPTIBILITY TO MYCOBACTERIAL, FUNGAL, AND PAPILLOMAVIRUS INFECTIONS AND MYELODYSPLASIA; COMBINED IMMUNODEFICIENCY WITH SUSCEPTIBILITY TO MYCOBACTERIAL, VIRAL, AND FUNGAL INFECTIONS; Dendritic cell, monocyte, B lymphocyte, and natural killer lymphocyte deficiency; IMMUNODEFICIENCY 21; GATA2 DEFICIENCY. Identifiers: Orphanet 228423, MedGen C3280030, MONDO:0013607, OMIM 614172.

Submission:

Labcorp Genetics (formerly Invitae), Labcorp
Classification: Uncertain significance for Monocytopenia with susceptibility to infections; Deafness-lymphedema-leukemia syndrome. Last evaluated: 2022-11-02. Review status: criteria provided, single submitter. Criteria: Invitae Variant Classification Sherloc (09022015). Collection method: clinical testing. Allele origin: germline.
Comment: This variant has not been reported in the literature in individuals affected with GATA2-related conditions. Advanced modeling of protein sequence and biophysical properties (such as structural, functional, and spatial information, amino acid conservation, physicochemical variation, residue mobility, and thermodynamic stability) has been performed at Invitae for this missense variant, however the output from this modeling did not meet the statistical confidence thresholds required to predict the impact of this variant on GATA2 protein function. In summary, the available evidence is currently insufficient to determine the role of this variant in disease. Therefore, it has been classified as a Variant of Uncertain Significance. This variant is not present in population databases (gnomAD no frequency). This sequence change replaces proline, which is neutral and non-polar, with threonine, which is neutral and polar, at codon 304 of the GATA2 protein (p.Pro304Thr).